The following is an entry in ClinVar:

ClinVar aggregate classification (germline): Likely pathogenic. Review status: criteria provided, multiple submitters, no conflicts (2 of 4 stars). 2 submissions from 2 submitters: Likely pathogenic (2). Last evaluated 2026-04-24.

Conditions:
Pontoneocerebellar hypoplasia. Also called: Pontocerebellar hypoplasia; Non-syndromic pontocerebellar hypoplasia. Identifiers: Orphanet 98523, MedGen C1261175, MONDO:0020135.
Pontocerebellar hypoplasia type 9. Identifiers: Orphanet 369920, MedGen C4014354, MONDO:0014351, OMIM 615809.

Allele frequency attached by ClinVar (database versions not stated): gnomAD exomes below 0.00001; ExAC 0.00001.
gnomAD v4.1: 2 of 1,614,188 alleles (0.00012%); highest among the groups gnomAD compares: East Asian, 0.0022%; no homozygotes.

Submissions (2):

Women's Health and Genetics/Laboratory Corporation of America, LabCorp
Classification: Likely pathogenic for Pontoneocerebellar hypoplasia. Last evaluated: 2026-04-24. Review status: criteria provided, single submitter. Criteria: LabCorp Variant Classification Summary - May 2015. Collection method: clinical testing. Allele origin: germline.
Comment: Variant summary: AMPD2 c.2366G>A (p.Arg789His) results in a non-conservative amino acid change in the encoded protein sequence. Algorithms developed to predict the effect of missense changes on protein structure and function are either unavailable or do not agree on the potential impact of this missense change. The variant allele was found at a frequency of 4e-06 in 251050 control chromosomes (gnomAD). c.2366G>A has been observed in the homozygous state or in trans with a pathogenic variant in individuals affected with features of Pontocerebellar Hypoplasia, Type 9 (Vanderver_2016, Kortum_2018). These data indicate that the variant is likely to be associated with disease. To our knowledge, no experimental evidence demonstrating an impact on protein function has been reported. The following publications have been ascertained in the context of this evaluation (PMID: 27159321, 29463858). ClinVar contains an entry for this variant (Variation ID: 1325790). Based on the evidence outlined above, the variant was classified as likely pathogenic.

Institute of Human Genetics, University of Leipzig Medical Center
Classification: Likely pathogenic for Pontocerebellar hypoplasia type 9. Last evaluated: 2017-03-02. Review status: criteria provided, single submitter. Criteria: ACMG Guidelines, 2015. Collection method: clinical testing. Allele origin: germline.

Literature cited by the submitters: PubMed 27159321 (cited by Women's Health and Genetics/Laboratory Corporation of America, LabCorp); PubMed 29463858 (cited by Women's Health and Genetics/Laboratory Corporation of America, LabCorp and Institute of Human Genetics, University of Leipzig Medical Center).

NM_001368809.2(AMPD2):c.2366G>A (p.Arg789His)

Gene: AMPD2 (adenosine monophosphate deaminase 2; plus strand). Cytogenetic location: 1p13.3.
Variant type: single nucleotide variant.
Coding change: c.2366G>A on transcript NM_001368809.2 (MANE Select); coding-DNA position 2366, G replaced by A.
Protein change: p.Arg789His; replaces arginine 789 with histidine.
Molecular consequence: missense variant.
Genome position (GRCh38, 1-based): chr1:109,631,040, G>A. VCF-style: chr1-109631040-G-A. GRCh37 (hg19) VCF-style: chr1-110173662-G-A.
Other names: c.2528G>A (NM_001257360.1); c.2174G>A, p.Arg725His (NM_001257361.2); c.2303G>A, p.Arg768His (NM_001308170.1); c.2366G>A, p.Arg789His (NM_004037.9); c.2285G>A, p.Arg762His (NM_139156.4); short protein forms R725H, R762H, R768H, R789H.
Identifiers: ClinVar variation 1325790 (VCV001325790.2), dbSNP rs774256040, ClinGen allele CA993390.